The following is an entry in ClinVar:

NM_182943.3(PLOD2):c.1156G>A (p.Asp386Asn)

Gene: PLOD2 (procollagen-lysine,2-oxoglutarate 5-dioxygenase 2; minus strand). Cytogenetic location: 3q24.
Variant type: single nucleotide variant.
Coding change: c.1156G>A on transcript NM_182943.3 (MANE Select); coding-DNA position 1156, G replaced by A.
Protein change: p.Asp386Asn; replaces aspartic acid 386 with asparagine.
Molecular consequence: missense variant.
Genome position (GRCh38, 1-based): chr3:146,085,245, C>T on the plus strand (G>A on the coding strand, the complement: PLOD2 is on the minus strand). VCF-style: chr3-146085245-C-T. GRCh37 (hg19) VCF-style: chr3-145803032-C-T.
Other names: c.1156G>A, p.Asp386Asn (NM_000935.3); c.1156G>A (NM_182943.2); short protein forms D386N.
Identifiers: ClinVar variation 2887877 (VCV002887877.4), dbSNP rs200189099, ClinGen allele CA2654978.

ClinVar aggregate classification (germline): Uncertain significance. Review status: criteria provided, multiple submitters, no conflicts (2 of 4 stars). 2 submissions from 2 submitters: Uncertain significance (2). Last evaluated 2024-05-03.

Allele frequency attached by ClinVar (database versions not stated): gnomAD 0.00003; gnomAD exomes 0.00005; TOPMed 0.00011; ExAC 0.00015; 1000 Genomes Project 30x 0.00047; 1000 Genomes Project 0.00060.
gnomAD v4.1: 75 of 1,605,600 alleles (0.0047%); highest among the groups gnomAD compares: East Asian, 0.15%; no homozygotes.

Submissions (2):

Labcorp Genetics (formerly Invitae), Labcorp
Classification: Uncertain significance. Last evaluated: 2024-05-03. Review status: criteria provided, single submitter. Criteria: Invitae Variant Classification Sherloc (09022015). Collection method: clinical testing. Allele origin: germline.
Comment: This sequence change replaces aspartic acid, which is acidic and polar, with asparagine, which is neutral and polar, at codon 386 of the PLOD2 protein (p.Asp386Asn). This variant is present in population databases (rs200189099, gnomAD 0.2%). This variant has not been reported in the literature in individuals affected with PLOD2-related conditions. Advanced modeling of protein sequence and biophysical properties (such as structural, functional, and spatial information, amino acid conservation, physicochemical variation, residue mobility, and thermodynamic stability) performed at Invitae indicates that this missense variant is not expected to disrupt PLOD2 protein function with a negative predictive value of 80%. In summary, the available evidence is currently insufficient to determine the role of this variant in disease. Therefore, it has been classified as a Variant of Uncertain Significance.

GeneDx
Classification: Uncertain significance. Last evaluated: 2024-02-01. Review status: criteria provided, single submitter. Criteria: GeneDx Variant Classification Process June 2021. Collection method: clinical testing. Allele origin: germline. Affected: yes.
Comment: In silico analysis supports that this missense variant has a deleterious effect on protein structure/function; Has not been previously published as pathogenic or benign to our knowledge